The following is an entry in ClinVar:

ClinVar aggregate classification (germline): Uncertain significance (1 of 4 stars; one submission).

Submission:

GeneDx
Classification: Uncertain significance. Last evaluated: 2026-04-05. Review status: criteria provided, single submitter. Criteria: GeneDx Variant Classification Process June 2021. Collection method: clinical testing. Allele origin: germline.
Comment: Not observed at significant frequency in large population cohorts (gnomAD); In silico analysis supports that this missense variant has a deleterious effect on protein structure/function; Has not been previously published as pathogenic or benign to our knowledge

NM_005861.4(STUB1):c.742A>C (p.Ser248Arg)

Genes: JMJD8 (jumonji domain containing 8; minus strand), STUB1 (STIP1 homology and U-box containing protein 1; plus strand). Cytogenetic location: 16p13.3.
Variant type: single nucleotide variant.
Coding change: c.742A>C on transcript NM_005861.4 (MANE Select); coding-DNA position 742, A replaced by C.
Protein change: p.Ser248Arg; replaces serine 248 with arginine.
Molecular consequence: missense variant. On other transcripts: 3 prime UTR variant (5), non-coding transcript variant (3).
Genome position (GRCh38, 1-based): chr16:682,237, A>C. VCF-style: chr16-682237-A-C. GRCh37 (hg19) VCF-style: chr16-732237-A-C.
Other names: c.526A>C, p.Ser176Arg (NM_001293197.2); c.*557T>G (NM_001005920.4, NM_001323919.3, NM_001323920.3); c.*591T>G (NM_001323918.3, NM_001323922.3); short protein forms S176R, S248R.
Identifiers: ClinVar variation 5018063 (VCV005018063.1).